The following is an entry in ClinVar:

ClinVar aggregate classification (germline): Likely benign (1 of 4 stars; one submission).

Allele frequency attached by ClinVar (database versions not stated): 1000 Genomes Project 30x 0.00312; 1000 Genomes Project 0.00339; ExAC 0.00651; gnomAD 0.00746; TOPMed 0.00754; ESP Exome Variant Server 0.00800; gnomAD exomes 0.00978.
gnomAD v4.1: 14,179 of 1,503,628 alleles (0.94%); highest among the groups gnomAD compares: Non-Finnish European, 1.1%; 109 homozygotes.

Submission:

CeGaT Center for Human Genetics Tuebingen
Classification: Likely benign. Last evaluated: 2022-11-01. Review status: criteria provided, single submitter. Criteria: CeGaT Center For Human Genetics Tuebingen Variant Classification Criteria Version 2. Collection method: clinical testing. Allele origin: germline. Affected: yes. Observed: 1 variant allele.
Comment: NSMCE4A: BP4, BS2

NM_017615.3(NSMCE4A):c.940-8C>T

Gene: NSMCE4A (NSE4A component of SMC5/6 complex; minus strand). Cytogenetic location: 10q26.13.
Variant type: single nucleotide variant.
Coding change: c.940-8C>T on transcript NM_017615.3 (MANE Select); 8 bases into the intron before coding-DNA position 940, C replaced by T.
Molecular consequence: intron variant.
Genome position (GRCh38, 1-based): chr10:121,960,414, G>A on the plus strand (C>T on the coding strand, the complement: NSMCE4A is on the minus strand). VCF-style: chr10-121960414-G-A. GRCh37 (hg19) VCF-style: chr10-123719929-G-A.
Other names: c.940-8C>T (NM_001167865.2).
Identifiers: ClinVar variation 2640894 (VCV002640894.24), dbSNP rs12777180, ClinGen allele CA5721895.
Genomic context (GRCh38, chr10:121,960,414, plus strand): 5'-TTACCTATTACTGGCAGTCGGTCTTGGTCAAGTCTTATTCTTGCAAAACCATCCTAAAAC[G>A]AAAACATGATTTTAGGAGAAGACAAACATTTAAGACTCAAACCTATACGCACTAGATGGA-3'